The following is an entry in ClinVar:

NC_012920.1(MT-CO2):m.7632T>C

Gene: MT-CO2 (mitochondrially encoded cytochrome c oxidase II; plus strand).
Variant type: single nucleotide variant.
Genome position: chrM-7632-T-C.
Identifiers: ClinVar variation 692752 (VCV000692752.1), dbSNP rs1603221049, ClinGen allele CA414793064.
Genomic context (GRCh38, chrMT:7,632, plus strand): 5'-TCCTATATATCTTAATGGCACATGCAGCGCAAGTAGGTCTACAAGACGCTACTTCCCCTA[T>C]CATAGAAGAGCTTATCACCTTTCATGATCACGCCCTCATAATCATTTTCCTTATCTGCTT-3'

ClinVar aggregate classification (germline): Uncertain significance (1 of 4 stars; one submission).

Conditions:
Leigh syndrome (NULS). Also called: Leigh's necrotizing encephalopathy; Leigh's disease; Leigh Syndrome (mtDNA deletion); Leigh Disease; Subacute necrotizing encephalopathy; Necrotizing encephalopathy infantile subacute of Leigh. Identifiers: Orphanet 506, MedGen C2931891, MONDO:0009723, OMIM 256000.

Submission:

Wong Mito Lab, Molecular and Human Genetics, Baylor College of Medicine
Classification: Uncertain significance for Leigh syndrome. Last evaluated: 2019-10-17. Review status: criteria provided, single submitter. Criteria: Modified ACMG Guidelines (Unpublished). Collection method: clinical testing. Allele origin: germline.
Comment: The NC_012920.1:m.7632T>C (YP_003024029.1:p.Ile16Thr) variant in MTCO2 gene is interpretated to be a Uncertain Significance variant based on the modified ACMG guidelines (unpublished). This variant meets the following evidence codes: no criteria